The following is an entry in ClinVar:

ClinVar aggregate classification (germline): Conflicting classifications of pathogenicity. Review status: criteria provided, conflicting classifications (1 of 4 stars). 11 submissions from 7 submitters: Uncertain significance (8); Benign (1); Likely benign (2). Last evaluated 2026-09-21.

Conditions:
Autosomal recessive limb-girdle muscular dystrophy type 2J (LGMDR10). Also called: Limb-girdle muscular dystrophy, type 2J; MUSCULAR DYSTROPHY, LIMB-GIRDLE, AUTOSOMAL RECESSIVE 10. Identifiers: Orphanet 140922, MedGen C1837342, MONDO:0012127, OMIM 608807.
Dilated cardiomyopathy 1G (CMD1G). Identifiers: Orphanet 154, MedGen C1858763, MONDO:0011400, OMIM 604145.
Myopathy, myofibrillar, 9, with early respiratory failure (MFM9). Also called: Myopathy, distal, with early respiratory failure, autosomal dominant; EDSTROM MYOPATHY; MYOPATHY, PROXIMAL, WITH EARLY RESPIRATORY MUSCLE INVOLVEMENT; Hereditary myopathy with early respiratory failure. Identifiers: Orphanet 178464, Orphanet 34521, MedGen C1863599, MONDO:0011362, OMIM 603689.
Tibial muscular dystrophy (TMD). Also called: Udd Distal Myopathy – Tibial Muscular Dystrophy; UDD MYOPATHY; Tibial muscular dystrophy, tardive. Identifiers: Orphanet 609, MedGen C1838244, MONDO:0010870, OMIM 600334.
Early-onset myopathy with fatal cardiomyopathy (CMYO5). Also called: Salih Myopathy; CONGENITAL MYOPATHY 5 WITH CARDIOMYOPATHY. Identifiers: Orphanet 289377, MedGen C2673677, MONDO:0012714, OMIM 611705. Disease mechanism: loss of function.

Allele frequency attached by ClinVar (database versions not stated): ExAC 0.00003; TOPMed 0.00003; gnomAD 0.00004; gnomAD exomes 0.00005 and 0.00006.
gnomAD v4.1: 96 of 1,607,306 alleles (0.006%); highest among the groups gnomAD compares: South Asian, 0.021%; no homozygotes.

Submissions (11):

Molecular Diagnostic Laboratory for Inherited Cardiovascular Disease, Montreal Heart Institute
Classification: Likely benign. Last evaluated: 2026-09-21. Review status: criteria provided, single submitter. Criteria: ACMG Guidelines, 2015. Collection method: clinical testing. Allele origin: germline. Affected: no.
Comment: BP1

CeGaT Center for Human Genetics Tuebingen
Classification: Uncertain significance. Last evaluated: 2026-09-01. Review status: criteria provided, single submitter. Criteria: CeGaT Center For Human Genetics Tuebingen Variant Classification Criteria Version 2. Collection method: clinical testing. Allele origin: germline. Affected: yes. Observed: 1 variant allele.
Comment: TTN: PM2, PS2:Supporting

Revvity Omics, Revvity
Classification: Uncertain significance. Last evaluated: 2022-06-20. Review status: criteria provided, single submitter. Criteria: ACMG Guidelines, 2015. Collection method: clinical testing. Allele origin: germline.

Genetic Services Laboratory, University of Chicago
Classification: Uncertain significance. Last evaluated: 2018-06-12. Review status: criteria provided, single submitter. Criteria: ACMG Guidelines, 2015. Collection method: clinical testing. Allele origin: germline. Affected: no.

Illumina Laboratory Services, Illumina
Classification: Uncertain significance for Autosomal recessive limb-girdle muscular dystrophy type 2J. Last evaluated: 2018-01-13. Review status: criteria provided, single submitter. Criteria: ICSL Variant Classification Criteria 13 December 2019. Collection method: clinical testing. Allele origin: germline.

Illumina Laboratory Services, Illumina
Classification: Uncertain significance for Dilated cardiomyopathy 1G. Last evaluated: 2018-01-13. Review status: criteria provided, single submitter. Criteria: ICSL Variant Classification Criteria 13 December 2019. Collection method: clinical testing. Allele origin: germline.

Illumina Laboratory Services, Illumina
Classification: Likely benign for Myopathy, myofibrillar, 9, with early respiratory failure. Last evaluated: 2018-01-13. Review status: criteria provided, single submitter. Criteria: ICSL Variant Classification Criteria 13 December 2019. Collection method: clinical testing. Allele origin: germline.
Comment: This variant was observed in the ICSL laboratory as part of a predisposition screen in an ostensibly healthy population. It had not been previously curated by ICSL or reported in the Human Gene Mutation Database (HGMD: prior to June 1st, 2018), and was therefore a candidate for classification through an automated scoring system. Utilizing variant allele frequency, disease prevalence and penetrance estimates, and inheritance mode, an automated score was calculated to assess if this variant is too frequent to cause the disease. Based on the score and internal cut-off values, a variant classified as likely benign is not then subjected to further curation. The score for this variant resulted in a classification of likely benign for this disease.

Illumina Laboratory Services, Illumina
Classification: Benign for Tibial muscular dystrophy. Last evaluated: 2018-01-13. Review status: criteria provided, single submitter. Criteria: ICSL Variant Classification Criteria 13 December 2019. Collection method: clinical testing. Allele origin: germline.
Comment: This variant was observed in the ICSL laboratory as part of a predisposition screen in an ostensibly healthy population. It had not been previously curated by ICSL or reported in the Human Gene Mutation Database (HGMD: prior to June 1st, 2018), and was therefore a candidate for classification through an automated scoring system. Utilizing variant allele frequency, disease prevalence and penetrance estimates, and inheritance mode, an automated score was calculated to assess if this variant is too frequent to cause the disease. Based on the score and internal cut-off values, a variant classified as benign is not then subjected to further curation. The score for this variant resulted in a classification of benign for this disease.

Illumina Laboratory Services, Illumina
Classification: Uncertain significance for Early-onset myopathy with fatal cardiomyopathy. Last evaluated: 2018-01-13. Review status: criteria provided, single submitter. Criteria: ICSL Variant Classification Criteria 13 December 2019. Collection method: clinical testing. Allele origin: germline.

GeneDx
Classification: Uncertain significance. Last evaluated: 2015-06-24. Review status: criteria provided, single submitter. Criteria: GeneDx Variant Classification (06012015). Collection method: clinical testing. Allele origin: germline. Affected: yes.
Comment: Missense variants in the TTN gene are considered 'unclassified' if they are not previously reported in the literature and do not have >1% frequency in the population to be considered a polymorphism. Research indicates that truncating mutations in the TTN gene are expected to account for approximately 25% of familial and 18% of sporadic idiopathic DCM; however, truncating variants in the TTN gene have been reported in approximately 3% of reported control alleles. There has been little investigation into non-truncating variants. (Herman D et al. Truncations of titin causing dilated cardiomyopathy. N Eng J Med 366:619-628, 2012) The variant is found in CARDIOMYOPATHY panel(s).

Biesecker Lab/Clinical Genomics Section, National Institutes of Health
Classification: Uncertain significance. Last evaluated: 2013-06-24. Review status: criteria provided, single submitter. Criteria: Ng et al. (Circ Cardiovasc Genet. 2013). Collection method: research. Allele origin: unknown. Observed: 1 variant allele. Study: ClinSeq.
Comment: The study set was not selected for affection status in relation to any cancer. Pathogenicity categories were based on literature curation. See Pubmed ID:23861362 for details.

Medical sequencing

NM_001267550.2(TTN):c.28465C>T (p.Arg9489Trp)

Gene: TTN (titin; minus strand). Cytogenetic location: 2q31.2.
Variant type: single nucleotide variant.
Coding change: c.28465C>T on transcript NM_001267550.2 (MANE Select); coding-DNA position 28465, C replaced by T.
Protein change: p.Arg9489Trp; replaces arginine 9489 with tryptophan.
Molecular consequence: missense variant. On other transcripts: intron variant (3).
Genome position (GRCh38, 1-based): chr2:178,709,854, G>A on the plus strand (C>T on the coding strand, the complement: TTN is on the minus strand). VCF-style: chr2-178709854-G-A. GRCh37 (hg19) VCF-style: chr2-179574581-G-A.
Other names: p.R9172W:CGG>TGG; c.27514C>T, p.Arg9172Trp (NM_001256850.1); c.24733C>T, p.Arg8245Trp (NM_133378.4); c.13282+28228C>T (NM_003319.4); c.13858+28228C>T (NM_133437.4); c.13657+28228C>T (NM_133432.3); short protein forms R8245W, R9489W, R9172W.
Identifiers: ClinVar variation 192001 (VCV000192001.12), dbSNP rs200489972, ClinGen allele CA302495.
Genomic context (GRCh38, chr2:178,709,854, plus strand): 5'-TCCCTTCTGTTTCTTCTACTGTCTCTGAGAGTCTTTTAGTGAAACTTGGTGGGATGAGCC[G>A]CTCTATAAGAAATTGCAAGGATATATGAAGTAGAAGCTAGAAGCAGATTACTAATATGAA-3'
Protein context (NP_001254479.2, residues 9479-9499): SCTAQLNIKE[Arg9489Trp]LIPPSFTKRL